The following is an entry in ClinVar:

ClinVar aggregate classification (germline): Pathogenic/Likely pathogenic. Review status: criteria provided, multiple submitters, no conflicts (2 of 4 stars). 5 submissions from 5 submitters: Pathogenic (3); Likely pathogenic (2). Last evaluated 2024-08-14.

Conditions:
Hereditary cancer-predisposing syndrome. Also called: Tumor predisposition; Neoplastic Syndromes, Hereditary; Hereditary Cancer Syndrome; Hereditary neoplastic syndrome. Identifiers: Orphanet 140162, MedGen C0027672, MeSH D009386, MONDO:0015356.
Familial cancer of breast. Also called: BREAST CANCER, FAMILIAL; Hereditary breast cancer; hereditary breast carcinoma. Identifiers: Orphanet 227535, MedGen C0346153, MONDO:0016419, OMIM 114480. Disease mechanism: loss of function.
Ataxia-telangiectasia syndrome (AT). Also called: Cerebello-oculocutaneous telangiectasia; Immunodeficiency with ataxia telangiectasia; ATAXIA-TELANGIECTASIA, COMPLEMENTATION GROUP A; Ataxia-telangiectasia, complementation group D; AT, COMPLEMENTATION GROUP C; ATAXIA-TELANGIECTASIA, FRESNO VARIANT. Identifiers: Orphanet 100, MedGen C0004135, MONDO:0008840, OMIM 208900.

Submissions (5):

Labcorp Genetics (formerly Invitae), Labcorp
Classification: Pathogenic for Ataxia-telangiectasia syndrome. Last evaluated: 2024-08-14. Review status: criteria provided, single submitter. Criteria: Invitae Variant Classification Sherloc (09022015). Collection method: clinical testing. Allele origin: germline.
Comment: This sequence change creates a premature translational stop signal (p.Gly301Valfs*19) in the ATM gene. It is expected to result in an absent or disrupted protein product. Loss-of-function variants in ATM are known to be pathogenic (PMID: 23807571, 25614872). This variant is not present in population databases (gnomAD no frequency). This premature translational stop signal has been observed in individual(s) with a ATM-related disease (PMID: 25957637). ClinVar contains an entry for this variant (Variation ID: 478982). For these reasons, this variant has been classified as Pathogenic.

Myriad Genetics, Inc.
Classification: Pathogenic for Familial cancer of breast. Last evaluated: 2024-01-11. Review status: criteria provided, single submitter. Criteria: Myriad Autosomal Dominant, Autosomal Recessive and X-Linked Classification Criteria (2023). Collection method: clinical testing. Allele origin: unknown.
Comment: This variant is considered pathogenic. This variant creates a frameshift predicted to result in premature protein truncation.

Sema4
Classification: Likely pathogenic for Hereditary cancer-predisposing syndrome. Last evaluated: 2021-07-27. Review status: criteria provided, single submitter. Criteria: Sema4 Curation Guidelines. Collection method: curation. Allele origin: germline.
Comment: The ATM c.900delA (p.G301VfsX19) variant has been reported as compound heterozygous in at least one family with features consistent with ataxia telangiectasia and one relative with breast cancer (PMID: 25957637). This variant causes a frameshift at amino acid 301 that results in premature termination 19 amino acids downstream. At this location, this is predicted to cause nonsense-mediated decay and result in an absent protein (loss of function). Loss of function variants in ATM are known to be pathogenic (PMID: 31050087). This variant is not reported in the Genome Aggregation Database (PMID: 32461654). This variant has been reported in ClinVar (Variation ID: 478982). Based on the current evidence available, this variant is interpreted as likely pathogenic.

Ambry Genetics
Classification: Pathogenic for Hereditary cancer-predisposing syndrome. Last evaluated: 2017-11-10. Review status: criteria provided, single submitter. Criteria: Ambry Variant Classification Scheme 2023. Collection method: clinical testing. Allele origin: germline.
Comment: The c.900delA pathogenic mutation, located in coding exon 6 of the ATM gene, results from a deletion of one nucleotide at position 900, causing a translational frameshift with a predicted alternate stop codon (p.G301Vfs*19). This alteration is expected to result in loss of function by premature protein truncation or nonsense-mediated mRNA decay. As such, this alteration is interpreted as a disease-causing mutation.

Baylor Genetics
Classification: Likely pathogenic for Ataxia-telangiectasia syndrome. Review status: criteria provided, single submitter. Criteria: ACMG Guidelines, 2015. Collection method: clinical testing. Allele origin: germline.

Literature cited by the submitters: PubMed 23807571 (cited by Labcorp Genetics (formerly Invitae), Labcorp); PubMed 25614872 (cited by Labcorp Genetics (formerly Invitae), Labcorp); PubMed 25957637 (cited by Labcorp Genetics (formerly Invitae), Labcorp and Sema4); PubMed 31050087 (cited by Sema4).

NM_000051.4(ATM):c.900del (p.Gly301fs)

Gene: ATM (ATM serine/threonine kinase; plus strand). Cytogenetic location: 11q22.3.
Variant type: Deletion.
Coding change: c.900del on transcript NM_000051.4 (MANE Select); coding-DNA position 900, one base deleted (A; older notation c.900delA).
Protein change: p.Gly301fs; shifts the reading frame from glycine 301.
Molecular consequence: frameshift variant.
Genome position (GRCh38, 1-based): chr11:108,245,025, A deleted; the last of 5 consecutive A bases (chr11:108,245,021-108,245,025); deleting any one gives the same sequence. VCF-style (leftmost placement, unchanged base first): chr11-108245020-GA-G. GRCh37 (hg19) VCF-style: chr11-108115747-GA-G.
Other names: c.900del, p.Gly301fs (NM_001351834.2); c.900delA (NM_000051.3); short protein forms G301fs.
Identifiers: ClinVar variation 478982 (VCV000478982.17), dbSNP rs1555067335, ClinGen allele CA658656193.
Genomic context (GRCh38, chr11:108,245,020, plus strand): 5'-ATTATTGAATTATTTCAACTGCAAATTTATATCCATCATCCGAAAGGAGCCAAAACCCAA[GA>G]AAAAGGTATAAAGGAAATGTTTACTGTTTTGAATTTGCTTCTTCATTCAAACATAGAAGT-3'